The following is an entry in ClinVar:

NM_016239.4(MYO15A):c.4822G>A (p.Ala1608Thr)

Gene: MYO15A (myosin XVA; plus strand). Cytogenetic location: 17p11.2.
Variant type: single nucleotide variant.
Coding change: c.4822G>A on transcript NM_016239.4 (MANE Select); coding-DNA position 4822, G replaced by A.
Protein change: p.Ala1608Thr; replaces alanine 1608 with threonine.
Molecular consequence: missense variant.
Genome position (GRCh38, 1-based): chr17:18,137,626, G>A. VCF-style: chr17-18137626-G-A. GRCh37 (hg19) VCF-style: chr17-18040940-G-A.
Other names: short protein forms A1608T.
Identifiers: ClinVar variation 4056840 (VCV004056840.3).

ClinVar aggregate classification (germline): Uncertain significance. Review status: criteria provided, multiple submitters, no conflicts (2 of 4 stars). 3 submissions from 3 submitters: Uncertain significance (3). Last evaluated 2026-01-20.

Conditions:
MYO15A-related disorder. Also called: MYO15A-related condition.

Submissions (3):

PreventionGenetics, part of Exact Sciences
Classification: Uncertain significance for MYO15A-related condition. Last evaluated: 2026-01-20. Review status: criteria provided, single submitter. Criteria: ACMG Guidelines, 2015. Collection method: clinical testing. Allele origin: germline.
Comment: The MYO15A c.4822G>A variant is predicted to result in the amino acid substitution p.Ala1608Thr. To our knowledge, this variant has not been reported in the literature. This variant is reported in 0.0056% of alleles in individuals of East Asian descent in gnomAD. At this time, the clinical significance of this variant is uncertain due to the absence of conclusive functional and genetic evidence.

GeneDx
Classification: Uncertain significance. Last evaluated: 2025-01-13. Review status: criteria provided, single submitter. Criteria: GeneDx Variant Classification Process June 2021. Collection method: clinical testing. Allele origin: germline. Affected: yes.
Comment: Not observed at significant frequency in large population cohorts (gnomAD); In silico analysis supports that this missense variant has a deleterious effect on protein structure/function; Has not been previously published as pathogenic or benign to our knowledge

Blueprint Genetics
Classification: Uncertain significance. Last evaluated: 2023-04-18. Review status: criteria provided, single submitter. Criteria: ACMG Guidelines, 2015. Collection method: clinical testing. Allele origin: germline.